The following is an entry in ClinVar:

ClinVar aggregate classification (germline): Uncertain significance. Review status: criteria provided, multiple submitters, no conflicts (2 of 4 stars). 3 submissions from 3 submitters: Uncertain significance (3). Last evaluated 2025-06-07.

Conditions:
Gastrointestinal stromal tumor. Also called: Gastrointestinal stroma tumor; Gastrointestinal stromal tumor, somatic. Identifiers: Orphanet 44890, MedGen C0238198, MeSH D046152, MONDO:0011719, OMIM 606764, HP:0100723.
Hereditary cancer-predisposing syndrome. Also called: Hereditary neoplastic syndrome; Hereditary Cancer Syndrome; Tumor predisposition; Neoplastic Syndromes, Hereditary. Identifiers: Orphanet 140162, MedGen C0027672, MeSH D009386, MONDO:0015356.

Allele frequency attached by ClinVar (database versions not stated): gnomAD exomes below 0.00001.
gnomAD v4.1: 1 of 1,614,066 alleles (0.000062%); highest among the groups gnomAD compares: South Asian, 0.0011%; no homozygotes.

Submissions (3):

Ambry Genetics
Classification: Uncertain significance for Hereditary cancer-predisposing syndrome. Last evaluated: 2025-06-07. Review status: criteria provided, single submitter. Criteria: Ambry Variant Classification Scheme 2023. Collection method: clinical testing. Allele origin: germline.
Comment: The p.F433S variant (also known as c.1298T>C), located in coding exon 8 of the KIT gene, results from a T to C substitution at nucleotide position 1298. The phenylalanine at codon 433 is replaced by serine, an amino acid with highly dissimilar properties. This amino acid position is conserved. In addition, the in silico prediction for this alteration is inconclusive. Since supporting evidence is limited at this time, the clinical significance of this alteration remains unclear.

GeneDx
Classification: Uncertain significance. Last evaluated: 2024-11-05. Review status: criteria provided, single submitter. Criteria: GeneDx Variant Classification Process June 2021. Collection method: clinical testing. Allele origin: germline.
Comment: Not observed at significant frequency in large population cohorts (gnomAD); In silico analysis supports that this missense variant has a deleterious effect on protein structure/function; Has not been previously published as pathogenic or benign to our knowledge

Labcorp Genetics (formerly Invitae), Labcorp
Classification: Uncertain significance for Gastrointestinal stromal tumor. Last evaluated: 2024-02-25. Review status: criteria provided, single submitter. Criteria: Invitae Variant Classification Sherloc (09022015). Collection method: clinical testing. Allele origin: germline.
Comment: This sequence change replaces phenylalanine, which is neutral and non-polar, with serine, which is neutral and polar, at codon 433 of the KIT protein (p.Phe433Ser). This variant is not present in population databases (gnomAD no frequency). This variant has not been reported in the literature in individuals affected with KIT-related conditions. ClinVar contains an entry for this variant (Variation ID: 645559). An algorithm developed to predict the effect of missense changes on protein structure and function (PolyPhen-2) suggests that this variant is likely to be disruptive. In summary, the available evidence is currently insufficient to determine the role of this variant in disease. Therefore, it has been classified as a Variant of Uncertain Significance.

NM_000222.3(KIT):c.1298T>C (p.Phe433Ser)

Gene: KIT (KIT proto-oncogene, receptor tyrosine kinase; plus strand). Cytogenetic location: 4q12.
Variant type: single nucleotide variant.
Coding change: c.1298T>C on transcript NM_000222.3 (MANE Select); coding-DNA position 1298, T replaced by C.
Protein change: p.Phe433Ser; replaces phenylalanine 433 with serine.
Molecular consequence: missense variant.
Genome position (GRCh38, 1-based): chr4:54,723,650, T>C. VCF-style: chr4-54723650-T-C. GRCh37 (hg19) VCF-style: chr4-55589816-T-C.
Other names: c.1298T>C, p.Phe433Ser (NM_001093772.2, NM_001385285.1, NM_001385286.1); c.1301T>C, p.Phe434Ser (NM_001385284.1, NM_001385288.1, NM_001385290.1 and 1 more transcripts); short protein forms F433S, F434S.
Identifiers: ClinVar variation 645559 (VCV000645559.14), dbSNP rs1577988844, ClinGen allele CA356905643.